The following is an entry in ClinVar:

ClinVar aggregate classification (germline): Pathogenic. Review status: criteria provided, single submitter (1 of 4 stars). 2 submissions from 1 submitter: Pathogenic (1). 1 of the submissions does not count toward it. Last evaluated 2019-11-26.

Conditions:
Steinert myotonic dystrophy syndrome (DM1). Also called: Myotonic dystrophy type 1; Dystrophia myotonica type 1; Steinert myotonic dystrophy; Steinert's disease; STEINERT DISEASE. Identifiers: Orphanet 273, MedGen C3250443, MONDO:0008056, OMIM 160900.

Submissions (2):

Neuromuscular Research, Maastricht University Medical Centre
Classification: Pathogenic for Steinert myotonic dystrophy syndrome. Last evaluated: 2019-11-26. Review status: criteria provided, single submitter. Criteria: Best practice guidelines on molecular diagnosis DM1 and DM2, Kamsteeg et al. 2012. Collection method: clinical testing. Allele origin: maternal, inherited. Affected: yes.

Neuromuscular Research, Maastricht University Medical Centre
Classification: Benign for Steinert myotonic dystrophy syndrome. Last evaluated: 2019-11-26. Review status: flagged submission. Criteria: Best practice guidelines on molecular diagnosis DM1 and DM2, Kamsteeg et al. 2012. Collection method: clinical testing. Allele origin: inherited, paternal, maternal. Affected: no. Not counted in ClinVar's aggregate classification.
ClinVar note: Reason: This record appears to be redundant with a more recent record from the same submitter.
ClinVar note: Notes: SCV001156432 appears to be redundant with SCV001156438.

Literature cited by the submitters: PubMed 32203199.

NM_004409.5(DMPK):c.*265_*283GCT[18]GCCGCTGCTGCTGCTGCTGCTG[1]

Genes: DM1-AS (DM1 locus antisense RNA; plus strand), DMPK (DM1 protein kinase; minus strand), LOC107075317 (origin of replication in DMPK trinucleotide repeat region; plus strand), LOC109461477 (dystrophia myotonica protein kinase repeat instability region; plus strand). Cytogenetic location: 19q13.32.
Variant type: Microsatellite.
Coding change: c.*265_*283GCT[18]GCCGCTGCTGCTGCTGCTGCTG[1] on transcript NM_004409.5 (MANE Select).
Molecular consequence: 3 prime UTR variant.
Genome position: GRCh38: chr19:45,770,205-45,770,223. GRCh37 (hg19): chr19:46,273,463-46,273,481.
Other names: c.*224_*283CTG[32]CCG[1]CTG[6] (NM_001081563.2); c.*265_*283GCT[18]GCCGCTGCTGCTGCTGCTGCTG[1] (NM_001081560.3, NM_001081563.3, NM_001288764.2 and 2 more transcripts); c.*258_*276GCT[18]GCCGCTGCTGCTGCTGCTGCTG[1] (NM_001081562.3, NM_001288765.2, NM_001424162.1 and 2 more transcripts); c.*410_*428GCT[18]GCCGCTGCTGCTGCTGCTGCTG[1] (NM_001288766.2, NM_001424164.1, NM_001424168.1).
Identifiers: ClinVar variation 810848 (VCV000810848.4), ClinGen allele CA915951763.